The following is an entry in ClinVar:

ClinVar aggregate classification (germline): Likely benign (1 of 4 stars; one submission).

Submission:

CeGaT Center for Human Genetics Tuebingen
Classification: Likely benign. Last evaluated: 2022-11-01. Review status: criteria provided, single submitter. Criteria: CeGaT Center For Human Genetics Tuebingen Variant Classification Criteria Version 2. Collection method: clinical testing. Allele origin: germline. Affected: yes. Observed: 1 variant allele.
Comment: PDGFRB: BP4

NM_002609.4(PDGFRB):c.373G>T (p.Val125Leu)

Gene: PDGFRB (platelet derived growth factor receptor beta; minus strand). Cytogenetic location: 5q32.
Variant type: single nucleotide variant.
Coding change: c.373G>T on transcript NM_002609.4 (MANE Select); coding-DNA position 373, G replaced by T.
Protein change: p.Val125Leu; replaces valine 125 with leucine.
Molecular consequence: missense variant. On other transcripts: 5 prime UTR variant (1).
Genome position (GRCh38, 1-based): chr5:150,135,008, C>A on the plus strand (G>T on the coding strand, the complement: PDGFRB is on the minus strand). VCF-style: chr5-150135008-C-A. GRCh37 (hg19) VCF-style: chr5-149514571-C-A.
Other names: c.181G>T, p.Val61Leu (NM_001355016.2); c.-145G>T (NM_001355017.2); short protein forms V125L, V61L.
Identifiers: ClinVar variation 2655911 (VCV002655911.24), dbSNP rs540587683, ClinGen allele CA3508320.
Genomic context (GRCh38, chr5:150,135,008, plus strand): 5'-TCTCAGTTATTTCCGTGAGAAAGATGAATAGTTCCTCGGCATCATTAGGGAGGAAGCCCA[C>A]GGTGGGATCTGCCAGGAGTGGAGCCGTGAATAAATCAGGGGAACTGGGTTTCTGGCCATC-3'
Protein context (NP_002600.1, residues 115-135): RLYIFVPDPT[Val125Leu]GFLPNDAEEL